The following is an entry in ClinVar:

ClinVar aggregate classification (germline): Uncertain significance. Review status: criteria provided, multiple submitters, no conflicts (2 of 4 stars). 2 submissions from 2 submitters: Uncertain significance (2). Last evaluated 2025-04-07.

Conditions:
Inborn genetic diseases. Identifiers: MedGen C0950123, MeSH D030342.

Submissions (2):

Ambry Genetics
Classification: Uncertain significance for Inborn genetic diseases. Last evaluated: 2025-04-07. Review status: criteria provided, single submitter. Criteria: Ambry Variant Classification Scheme 2023. Collection method: clinical testing. Allele origin: germline.

Labcorp Genetics (formerly Invitae), Labcorp
Classification: Uncertain significance. Last evaluated: 2025-02-15. Review status: criteria provided, single submitter. Criteria: Invitae Variant Classification Sherloc (09022015). Collection method: clinical testing. Allele origin: germline.
Comment: This sequence change replaces arginine, which is basic and polar, with tryptophan, which is neutral and slightly polar, at codon 108 of the DVL1 protein (p.Arg108Trp). The frequency data for this variant in the population databases is considered unreliable, as metrics indicate poor data quality at this position in the gnomAD database. This variant has not been reported in the literature in individuals affected with DVL1-related conditions. Invitae Evidence Modeling of protein sequence and biophysical properties (such as structural, functional, and spatial information, amino acid conservation, physicochemical variation, residue mobility, and thermodynamic stability) indicates that this missense variant is expected to disrupt DVL1 protein function with a positive predictive value of 80%. In summary, the available evidence is currently insufficient to determine the role of this variant in disease. Therefore, it has been classified as a Variant of Uncertain Significance.

NM_001330311.2(DVL1):c.322C>T (p.Arg108Trp)

Gene: DVL1 (dishevelled segment polarity protein 1; minus strand). Cytogenetic location: 1p36.33.
Variant type: single nucleotide variant.
Coding change: c.322C>T on transcript NM_001330311.2 (MANE Select); coding-DNA position 322, C replaced by T.
Protein change: p.Arg108Trp; replaces arginine 108 with tryptophan.
Molecular consequence: missense variant.
Genome position (GRCh38, 1-based): chr1:1,342,403, G>A on the plus strand (C>T on the coding strand, the complement: DVL1 is on the minus strand). VCF-style: chr1-1342403-G-A. GRCh37 (hg19) VCF-style: chr1-1277783-G-A.
Other names: c.322C>T, p.Arg108Trp (NM_004421.3); short protein forms R108W.
Identifiers: ClinVar variation 4015491 (VCV004015491.2).